The following is an entry in ClinVar:

NM_000051.4(ATM):c.1753_1756del (p.Leu585fs)

Gene: ATM (ATM serine/threonine kinase; plus strand). Cytogenetic location: 11q22.3.
Variant type: Deletion.
Coding change: c.1753_1756del on transcript NM_000051.4 (MANE Select); coding-DNA positions 1753 to 1756, 4 bases deleted (TTAG; older notation c.1753_1756delTTAG).
Protein change: p.Leu585fs; shifts the reading frame from leucine 585.
Molecular consequence: frameshift variant.
Genome position (GRCh38, 1-based): chr11:108,251,982-108,251,985, TTAG deleted; deleting any 4 consecutive bases within chr11:108,251,980-108,251,985 gives the same sequence; the c. name uses the placement nearest the transcript's 3' end. VCF-style (leftmost placement, unchanged base first): chr11-108251979-CAGTT-C. GRCh37 (hg19) VCF-style: chr11-108122706-CAGTT-C.
Other names: c.1753_1756delTTAG (NM_000051.3); c.1753_1756del, p.Leu585fs (NM_001351834.2); short protein forms L585fs.
Identifiers: ClinVar variation 553995 (VCV000553995.16), dbSNP rs1555072008, ClinGen allele CA658821429.

ClinVar aggregate classification (germline): Pathogenic. Review status: criteria provided, multiple submitters, no conflicts (2 of 4 stars). 5 submissions from 5 submitters: Pathogenic (4). 1 of the submissions does not count toward it. Last evaluated 2023-11-20.

Conditions:
Hereditary cancer-predisposing syndrome. Also called: Hereditary Cancer Syndrome; Hereditary neoplastic syndrome; Neoplastic Syndromes, Hereditary; Tumor predisposition. Identifiers: Orphanet 140162, MedGen C0027672, MeSH D009386, MONDO:0015356.
Familial cancer of breast. Also called: hereditary breast carcinoma; BREAST CANCER, FAMILIAL; Hereditary breast cancer. Identifiers: Orphanet 227535, MedGen C0346153, MONDO:0016419, OMIM 114480. Disease mechanism: loss of function.
Ataxia-telangiectasia syndrome (AT). Also called: Ataxia-telangiectasia, complementation group D; AT, COMPLEMENTATION GROUP C; Ataxia-telangiectasia, complementation group E; LOUIS-BAR SYNDROME; Cerebello-oculocutaneous telangiectasia; Immunodeficiency with ataxia telangiectasia. Identifiers: Orphanet 100, MedGen C0004135, MONDO:0008840, OMIM 208900.

Submissions (5):

Myriad Genetics, Inc.
Classification: Pathogenic for Familial cancer of breast. Last evaluated: 2023-11-20. Review status: criteria provided, single submitter. Criteria: Myriad Autosomal Dominant, Autosomal Recessive and X-Linked Classification Criteria (2023). Collection method: clinical testing. Allele origin: unknown.
Comment: This variant is considered pathogenic. This variant creates a frameshift predicted to result in premature protein truncation.

Ambry Genetics
Classification: Pathogenic for Hereditary cancer-predisposing syndrome. Last evaluated: 2022-07-06. Review status: criteria provided, single submitter. Criteria: Ambry Variant Classification Scheme 2023. Collection method: clinical testing. Allele origin: germline.
Comment: The c.1753_1756delTTAG pathogenic mutation, located in coding exon 10 of the ATM gene, results from a deletion of 4 nucleotides at nucleotide positions 1753 to 1756, causing a translational frameshift with a predicted alternate stop codon (p.L585Rfs*4). This alteration has been identified in an individual diagnosed with ataxia telangiectasia (Li A et al. Am J Med Genet, 2000 May;92:170-7). This variant is considered to be rare based on population cohorts in the Genome Aggregation Database (gnomAD). This alteration is expected to result in loss of function by premature protein truncation or nonsense-mediated mRNA decay. As such, this alteration is interpreted as a disease-causing mutation.

Baylor Genetics
Classification: Pathogenic for Familial cancer of breast. Last evaluated: 2021-11-03. Review status: criteria provided, single submitter. Criteria: ACMG Guidelines, 2015. Collection method: clinical testing. Allele origin: unknown.

Labcorp Genetics (formerly Invitae), Labcorp
Classification: Pathogenic for Ataxia-telangiectasia syndrome. Last evaluated: 2021-08-23. Review status: criteria provided, single submitter. Criteria: Invitae Variant Classification Sherloc (09022015). Collection method: clinical testing. Allele origin: germline.
Comment: This sequence change creates a premature translational stop signal (p.Leu585Argfs*4) in the ATM gene. It is expected to result in an absent or disrupted protein product. This variant is not present in population databases (ExAC no frequency). This variant has been observed in an individual affected with ataxia-telangiectasia (PMID: 10817650). This variant is also known as 1753del4 in the literature. ClinVar contains an entry for this variant (Variation ID: 553995). Loss-of-function variants in ATM are known to be pathogenic (PMID: 23807571, 25614872). For these reasons, this variant has been classified as Pathogenic.

Counsyl
Classification: Likely pathogenic for Ataxia-telangiectasia syndrome. Last evaluated: 2017-09-22. Review status: no assertion criteria provided. Collection method: clinical testing. Allele origin: unknown. Not counted in ClinVar's aggregate classification.

Literature cited by the submitters: PubMed 10817650 (cited by 3 submitters); PubMed 23807571 (cited by Labcorp Genetics (formerly Invitae), Labcorp); PubMed 25614872 (cited by Labcorp Genetics (formerly Invitae), Labcorp).